The following is an entry in ClinVar:

NM_002180.3(IGHMBP2):c.2848del (p.Leu950fs)

Gene: IGHMBP2 (immunoglobulin mu DNA binding protein 2; plus strand). Cytogenetic location: 11q13.3.
Variant type: Deletion.
Coding change: c.2848del on transcript NM_002180.3 (MANE Select); coding-DNA position 2848, one base deleted (C; older notation c.2848delC).
Protein change: p.Leu950fs; shifts the reading frame from leucine 950.
Molecular consequence: frameshift variant.
Genome position (GRCh38, 1-based): chr11:68,939,597, C deleted; the last of 2 consecutive C bases (chr11:68,939,596-68,939,597); deleting either gives the same sequence. VCF-style (leftmost placement, unchanged base first): chr11-68939595-TC-T. GRCh37 (hg19) VCF-style: chr11-68707063-TC-T.
Other names: short protein forms L950fs.
Identifiers: ClinVar variation 2944755 (VCV002944755.3), dbSNP rs2496086381, ClinGen allele CA2740093121.

ClinVar aggregate classification (germline): Pathogenic (1 of 4 stars; one submission).

Conditions:
Charcot-Marie-Tooth disease axonal type 2S. Also called: CHARCOT-MARIE-TOOTH DISEASE, AXONAL, AUTOSOMAL RECESSIVE, TYPE 2S; CHARCOT-MARIE-TOOTH NEUROPATHY, TYPE 2S. Identifiers: Orphanet 443073, MedGen C4015349, MONDO:0014511, OMIM 616155.
Autosomal recessive distal spinal muscular atrophy 1. Also called: HMN VI; NEURONOPATHY, SEVERE INFANTILE AXONAL, WITH RESPIRATORY FAILURE; SEVERE INFANTILE AXONAL NEUROPATHY WITH RESPIRATORY FAILURE; SPINAL MUSCULAR ATROPHY, DIAPHRAGMATIC; Spinal muscular atrophy with respiratory distress 1; NEURONOPATHY, DISTAL HEREDITARY MOTOR, HARDING TYPE VI. Identifiers: Orphanet 98920, MedGen C1858517, MONDO:0011436, OMIM 604320.

Submission:

Labcorp Genetics (formerly Invitae), Labcorp
Classification: Pathogenic for Autosomal recessive distal spinal muscular atrophy 1; Charcot-Marie-Tooth disease axonal type 2S. Last evaluated: 2023-02-26. Review status: criteria provided, single submitter. Criteria: Invitae Variant Classification Sherloc (09022015). Collection method: clinical testing. Allele origin: germline.
Comment: For these reasons, this variant has been classified as Pathogenic. This sequence change creates a premature translational stop signal (p.Leu950Serfs*28) in the IGHMBP2 gene. While this is not anticipated to result in nonsense mediated decay, it is expected to disrupt the last 44 amino acid(s) of the IGHMBP2 protein. This variant is not present in population databases (gnomAD no frequency). This variant has not been reported in the literature in individuals affected with IGHMBP2-related conditions. This variant disrupts a region of the IGHMBP2 protein in which other variant(s) (p.Arg971Glufs*4) have been determined to be pathogenic (PMID: 15269181, 25439726, 25568292, 26392352; Invitae). This suggests that this is a clinically significant region of the protein, and that variants that disrupt it are likely to be disease-causing.

Literature cited by the submitters: PubMed 15269181; PubMed 25439726; PubMed 25568292; PubMed 26392352.